The following is an entry in ClinVar:

NM_147127.5(EVC2):c.766G>A (p.Gly256Arg)

Gene: EVC2 (EvC ciliary complex subunit 2; minus strand). Cytogenetic location: 4p16.2.
Variant type: single nucleotide variant.
Coding change: c.766G>A on transcript NM_147127.5 (MANE Select); coding-DNA position 766, G replaced by A.
Protein change: p.Gly256Arg; replaces glycine 256 with arginine.
Molecular consequence: missense variant.
Genome position (GRCh38, 1-based): chr4:5,685,420, C>T on the plus strand (G>A on the coding strand, the complement: EVC2 is on the minus strand). VCF-style: chr4-5685420-C-T. GRCh37 (hg19) VCF-style: chr4-5687147-C-T.
Other names: c.526G>A, p.Gly176Arg (NM_001166136.2); short protein forms G256R, G176R.
Identifiers: ClinVar variation 2067434 (VCV002067434.2), dbSNP rs145458036, ClinGen allele CA2835307.
Genomic context (GRCh38, chr4:5,685,420, plus strand): 5'-AAGGTCATACCCGTGACGAGCTCTGAAAGGTGAGTTGGGCAGGAAGCTTGAGGCTCTCCC[C>T]GTTCCCGAGGTCTCCAGCCTGGAGCGTGGCTGCGTAGCTGACAGCAAAGGCATCTCCCAC-3'
Protein context (NP_667338.3, residues 246-266): ATLQAGDLGN[Gly256Arg]ESLKLPAQLT

ClinVar aggregate classification (germline): Uncertain significance. Review status: criteria provided, multiple submitters, no conflicts (2 of 4 stars). 2 submissions from 2 submitters: Uncertain significance (2). Last evaluated 2024-10-24.

Conditions:
Ellis-van Creveld syndrome (EVC). Also called: Chondroectodermal dysplasia; MESOECTODERMAL DYSPLASIA. Identifiers: Orphanet 289, MedGen C0013903, MONDO:0009162, OMIM 225500.
Curry-Hall syndrome (WAD). Also called: WEYERS ACRODENTAL DYSOSTOSIS. Identifiers: Orphanet 952, MedGen C0457013, MONDO:0008673, OMIM 193530.

Allele frequency attached by ClinVar (database versions not stated): TOPMed 0.00005; 1000 Genomes Project 30x 0.00016; 1000 Genomes Project 0.00020.
gnomAD v4.1: 40 of 1,614,188 alleles (0.0025%); highest among the groups gnomAD compares: Middle Eastern, 0.049%; no homozygotes.

Submissions (2):

Blueprint Genetics
Classification: Uncertain significance. Last evaluated: 2024-10-24. Review status: criteria provided, single submitter. Criteria: ACMG Guidelines, 2015. Collection method: clinical testing. Allele origin: germline.

Labcorp Genetics (formerly Invitae), Labcorp
Classification: Uncertain significance for Curry-Hall syndrome; Ellis-van Creveld syndrome. Last evaluated: 2020-08-12. Review status: criteria provided, single submitter. Criteria: Invitae Variant Classification Sherloc (09022015). Collection method: clinical testing. Allele origin: germline.
Comment: This sequence change replaces glycine with arginine at codon 256 of the EVC2 protein (p.Gly256Arg). The glycine residue is moderately conserved and there is a moderate physicochemical difference between glycine and arginine. This variant is present in population databases (rs145458036, ExAC 0.01%). This variant has not been reported in the literature in individuals with EVC2-related conditions. Algorithms developed to predict the effect of missense changes on protein structure and function are either unavailable or do not agree on the potential impact of this missense change (SIFT: "Deleterious"; PolyPhen-2: "Probably Damaging"; Align-GVGD: "Class C0"). In summary, the available evidence is currently insufficient to determine the role of this variant in disease. Therefore, it has been classified as a Variant of Uncertain Significance.